The following is an entry in ClinVar:

NM_002500.5(NEUROD1):c.1031G>A (p.Arg344Gln)

Gene: NEUROD1 (neuronal differentiation 1; minus strand). Cytogenetic location: 2q31.3.
Variant type: single nucleotide variant.
Coding change: c.1031G>A on transcript NM_002500.5 (MANE Select); coding-DNA position 1031, G replaced by A.
Protein change: p.Arg344Gln; replaces arginine 344 with glutamine.
Molecular consequence: missense variant.
Genome position (GRCh38, 1-based): chr2:181,677,830, C>T on the plus strand (G>A on the coding strand, the complement: NEUROD1 is on the minus strand). VCF-style: chr2-181677830-C-T. GRCh37 (hg19) VCF-style: chr2-182542557-C-T.
Other names: short protein forms R344Q.
Identifiers: ClinVar variation 1001142 (VCV001001142.9), dbSNP rs146389992, ClinGen allele CA2011015.
Genomic context (GRCh38, chr2:181,677,830, plus strand): 5'-ATGGTGAAACTGGCGTGCCTCTAATCATGAAATATGGCATTGAGCTGGGCACTCATGACT[C>T]GCTCATGATGTGAATGGCTATCGAAGGACATAATATTGTCTATGGGGATCTCGCAGCGAG-3'
Protein context (NP_002491.3, residues 334-354): MSFDSHSHHE[Arg344Gln]VMSAQLNAIF

ClinVar aggregate classification (germline): Uncertain significance. Review status: criteria provided, multiple submitters, no conflicts (2 of 4 stars). 2 submissions from 2 submitters: Uncertain significance (2). Last evaluated 2025-12-23.

Conditions:
Maturity-onset diabetes of the young type 6 (MODY6). Identifiers: Orphanet 552, MedGen C1853371, MONDO:0011668, OMIM 606394.
Type 2 diabetes mellitus. Also called: Type II diabetes mellitus. Identifiers: MedGen C0011860, MeSH D003924, MONDO:0005148, OMIM 125853, HP:0005978.

Allele frequency attached by ClinVar (database versions not stated): gnomAD exomes 0.00002 and 0.00004; ExAC 0.00005; gnomAD 0.00016 and 0.00018; TOPMed 0.00017; ESP Exome Variant Server 0.00038.
gnomAD v4.1: 58 of 1,613,950 alleles (0.0036%); highest among the groups gnomAD compares: African/African-American, 0.073%; no homozygotes.

Submissions (2):

Labcorp Genetics (formerly Invitae), Labcorp
Classification: Uncertain significance. Last evaluated: 2025-12-23. Review status: criteria provided, single submitter. Criteria: Invitae Variant Classification Sherloc (09022015). Collection method: clinical testing. Allele origin: germline.
Comment: This sequence change replaces arginine, which is basic and polar, with glutamine, which is neutral and polar, at codon 344 of the NEUROD1 protein (p.Arg344Gln). This variant is present in population databases (rs146389992, gnomAD 0.04%). This variant has not been reported in the literature in individuals affected with NEUROD1-related conditions. ClinVar contains an entry for this variant (Variation ID: 1001142). An algorithm developed to predict the effect of missense changes on protein structure and function (PolyPhen-2) suggests that this variant is likely to be disruptive. In summary, the available evidence is currently insufficient to determine the role of this variant in disease. Therefore, it has been classified as a Variant of Uncertain Significance.

Fulgent Genetics
Classification: Uncertain significance for Type 2 diabetes mellitus; Maturity-onset diabetes of the young type 6. Last evaluated: 2024-04-20. Review status: criteria provided, single submitter. Criteria: ACMG Guidelines, 2015. Collection method: clinical testing. Allele origin: germline.